The following is an entry in ClinVar:

NM_001040142.2(SCN2A):c.398T>G (p.Met133Arg)

Gene: SCN2A (sodium voltage-gated channel alpha subunit 2; plus strand). Cytogenetic location: 2q24.3.
Variant type: single nucleotide variant.
Coding change: c.398T>G on transcript NM_001040142.2 (MANE Select); coding-DNA position 398, T replaced by G.
Protein change: p.Met133Arg; replaces methionine 133 with arginine.
Molecular consequence: missense variant.
Genome position (GRCh38, 1-based): chr2:165,307,859, T>G. VCF-style: chr2-165307859-T-G. GRCh37 (hg19) VCF-style: chr2-166164369-T-G.
Other names: c.398T>G, p.Met133Arg (NM_001040143.2, NM_001371246.1, NM_001371247.1 and 1 more transcripts); short protein forms M133R.
Identifiers: ClinVar variation 1394887 (VCV001394887.6), dbSNP rs2105241293, ClinGen allele CA349014869.

ClinVar aggregate classification (germline): Uncertain significance (1 of 4 stars; one submission).

Conditions:
Seizures, benign familial infantile, 3 (BFIS3). Also called: Familial neonatal seizures; CONVULSIONS, BENIGN FAMILIAL INFANTILE, 3. Identifiers: Orphanet 140927, Orphanet 306, MedGen C1843140, MONDO:0011904, OMIM 607745.
Developmental and epileptic encephalopathy, 11 (DEE11). Also called: Early infantile epileptic encephalopathy 11. Identifiers: Orphanet 1934, MedGen C3150987, MONDO:0013388, OMIM 613721.

Submission:

Labcorp Genetics (formerly Invitae), Labcorp
Classification: Uncertain significance for Seizures, benign familial infantile, 3; Developmental and epileptic encephalopathy, 11. Last evaluated: 2021-09-15. Review status: criteria provided, single submitter. Criteria: Invitae Variant Classification Sherloc (09022015). Collection method: clinical testing. Allele origin: germline.
Comment: Algorithms developed to predict the effect of sequence changes on RNA splicing suggest that this variant may create or strengthen a splice site. This sequence change replaces methionine with arginine at codon 133 of the SCN2A protein (p.Met133Arg). The methionine residue is weakly conserved and there is a moderate physicochemical difference between methionine and arginine. This variant is not present in population databases (ExAC no frequency). This variant has not been reported in the literature in individuals affected with SCN2A-related conditions. Algorithms developed to predict the effect of missense changes on protein structure and function are either unavailable or do not agree on the potential impact of this missense change (SIFT: "Deleterious"; PolyPhen-2: "Benign"; Align-GVGD: "Class C0"). In summary, the available evidence is currently insufficient to determine the role of this variant in disease. Therefore, it has been classified as a Variant of Uncertain Significance.